The following is an entry in ClinVar:

ClinVar aggregate classification (germline): Uncertain significance (1 of 4 stars; one submission).

Submission:

Labcorp Genetics (formerly Invitae), Labcorp
Classification: Uncertain significance. Last evaluated: 2026-01-01. Review status: criteria provided, single submitter. Criteria: Invitae Variant Classification Sherloc (09022015). Collection method: clinical testing. Allele origin: germline.
Comment: This sequence change replaces tyrosine, which is neutral and polar, with asparagine, which is neutral and polar, at codon 821 of the NFKB1 protein (p.Tyr821Asn). Information on the frequency of this variant in the gnomAD database is not available, as this variant may be reported differently in the database. This variant has not been reported in the literature in individuals affected with NFKB1-related conditions. Experimental studies and prediction algorithms are not available or were not evaluated, and the functional significance of this variant is currently unknown. In summary, the available evidence is currently insufficient to determine the role of this variant in disease. Therefore, it has been classified as a Variant of Uncertain Significance.

NM_003998.4(NFKB1):c.2460_2461delinsTA (p.Tyr821Asn)

Gene: NFKB1 (nuclear factor kappa B subunit 1; plus strand). Cytogenetic location: 4q24.
Variant type: Indel.
Coding change: c.2460_2461delinsTA on transcript NM_003998.4 (MANE Select); coding-DNA positions 2460 to 2461, GT replaced by TA.
Protein change: p.Tyr821Asn; replaces tyrosine 821 with asparagine.
Molecular consequence: missense variant.
Genome position (GRCh38, 1-based): chr4:102,612,474-102,612,475, GT replaced by TA. VCF-style: chr4-102612474-GT-TA. GRCh37 (hg19) VCF-style: chr4-103533631-GT-TA.
Other names: c.2457_2458delinsTA, p.Tyr820Asn (NM_001165412.2, NM_001319226.2, NM_001382627.1); c.2460_2461delinsTA, p.Tyr821Asn (NM_001382625.1, NM_001382626.1); c.2418_2419delinsTA, p.Tyr807Asn (NM_001382628.1); short protein forms Y820N, Y821N, Y807N.
Identifiers: ClinVar variation 4770401 (VCV004770401.1).